The following is an entry in ClinVar:

NM_020821.3(VPS13C):c.3743C>T (p.Pro1248Leu)

Gene: VPS13C (vacuolar protein sorting 13 homolog C; minus strand). Cytogenetic location: 15q22.2.
Variant type: single nucleotide variant.
Coding change: c.3743C>T on transcript NM_020821.3 (MANE Select); coding-DNA position 3743, C replaced by T.
Protein change: p.Pro1248Leu; replaces proline 1248 with leucine.
Molecular consequence: missense variant.
Genome position (GRCh38, 1-based): chr15:61,961,754, G>A on the plus strand (C>T on the coding strand, the complement: VPS13C is on the minus strand). VCF-style: chr15-61961754-G-A. GRCh37 (hg19) VCF-style: chr15-62253953-G-A.
Other names: c.3743C>T, p.Pro1248Leu (NM_001018088.3); c.3614C>T, p.Pro1205Leu (NM_017684.5, NM_018080.4); short protein forms P1205L, P1248L.
Identifiers: ClinVar variation 4872549 (VCV004872549.2).

ClinVar aggregate classification (germline): Uncertain significance (1 of 4 stars; one submission).

gnomAD v4.1: 194 of 1,613,832 alleles (0.012%); highest among the groups gnomAD compares: Middle Eastern, 0.05%; no homozygotes.

Submission:

CeGaT Center for Human Genetics Tuebingen
Classification: Uncertain significance. Last evaluated: 2026-05-01. Review status: criteria provided, single submitter. Criteria: CeGaT Center For Human Genetics Tuebingen Variant Classification Criteria Version 2. Collection method: clinical testing. Allele origin: germline. Affected: yes. Observed: 1 variant allele.
Comment: VPS13C: PM2